The following is an entry in ClinVar:

NM_001377265.1(MAPT):c.1622C>T (p.Thr541Met)

Gene: MAPT (microtubule associated protein tau). Cytogenetic location: 17q21.31.
Variant type: single nucleotide variant.
Coding change: c.1622C>T on transcript NM_001377265.1 (MANE Select); coding-DNA position 1622, C replaced by T.
Protein change: p.Thr541Met; replaces threonine 541 with methionine.
Molecular consequence: missense variant. On other transcripts: non-coding transcript variant (1).
Genome position (GRCh38, 1-based): chr17:45,991,476, C>T. VCF-style: chr17-45991476-C-T. GRCh37 (hg19) VCF-style: chr17-44068842-C-T.
Other names: c.1397C>T, p.Thr466Met (NM_001123066.4, NM_016835.5); c.359C>T, p.Thr120Met (NM_001123067.4, NM_001203251.2, NM_001377267.1); c.446C>T, p.Thr149Met (NM_001203252.2, NM_005910.6); c.1424C>T, p.Thr475Met (NM_001377266.1); c.272C>T, p.Thr91Met (NM_001377268.1, NM_016834.5, NM_016841.5); short protein forms T120M, T149M, T466M, T475M, T541M, T91M.
Identifiers: ClinVar variation 2578791 (VCV002578791.25), dbSNP rs964226257, ClinGen allele CA291106236.

ClinVar aggregate classification (germline): Uncertain significance (1 of 4 stars; one submission).

Allele frequency attached by ClinVar (database versions not stated): gnomAD exomes 0.00001; gnomAD 0.00003; TOPMed 0.00004.
gnomAD v4.1: 16 of 1,614,038 alleles (0.00099%); highest among the groups gnomAD compares: African/African-American, 0.004%; no homozygotes.

Submission:

CeGaT Center for Human Genetics Tuebingen
Classification: Uncertain significance. Last evaluated: 2023-07-01. Review status: criteria provided, single submitter. Criteria: CeGaT Center For Human Genetics Tuebingen Variant Classification Criteria Version 2. Collection method: clinical testing. Allele origin: germline. Affected: yes. Observed: 1 variant allele.
Comment: MAPT: PM2, PS4:Supporting, BP4